The following is an entry in ClinVar:

ClinVar aggregate classification (germline): Uncertain significance (1 of 4 stars; one submission).

Submission:

GeneDx
Classification: Uncertain significance. Last evaluated: 2024-09-17. Review status: criteria provided, single submitter. Criteria: GeneDx Variant Classification Process June 2021. Collection method: clinical testing. Allele origin: germline. Affected: yes.
Comment: Not observed at significant frequency in large population cohorts (gnomAD); In silico analysis indicates that this missense variant does not alter protein structure/function; Has not been previously published as pathogenic or benign to our knowledge

NM_001042475.3(CEP85L):c.606C>G (p.Ser202Arg)

Gene: CEP85L (centrosomal protein 85 like; minus strand). Cytogenetic location: 6q22.31.
Variant type: single nucleotide variant.
Coding change: c.606C>G on transcript NM_001042475.3 (MANE Select); coding-DNA position 606, C replaced by G.
Protein change: p.Ser202Arg; replaces serine 202 with arginine.
Molecular consequence: missense variant.
Genome position (GRCh38, 1-based): chr6:118,565,943, G>C on the plus strand (C>G on the coding strand, the complement: CEP85L is on the minus strand). VCF-style: chr6-118565943-G-C. GRCh37 (hg19) VCF-style: chr6-118887106-G-C.
Other names: c.615C>G, p.Ser205Arg (NM_001178035.2); c.606C>G, p.Ser202Arg (NM_206921.3); short protein forms S202R, S205R.
Identifiers: ClinVar variation 3770046 (VCV003770046.1).